The following is an entry in ClinVar:

NM_006946.4(SPTBN2):c.1015G>A (p.Gly339Arg)

Gene: SPTBN2 (spectrin beta, non-erythrocytic 2; minus strand). Cytogenetic location: 11q13.2.
Variant type: single nucleotide variant.
Coding change: c.1015G>A on transcript NM_006946.4 (MANE Select); coding-DNA position 1015, G replaced by A.
Protein change: p.Gly339Arg; replaces glycine 339 with arginine.
Molecular consequence: missense variant.
Genome position (GRCh38, 1-based): chr11:66,710,640, C>T on the plus strand (G>A on the coding strand, the complement: SPTBN2 is on the minus strand). VCF-style: chr11-66710640-C-T. GRCh37 (hg19) VCF-style: chr11-66478111-C-T.
Other names: c.1036G>A, p.Gly346Arg (NM_001411025.1); short protein forms G339R, G346R.
Identifiers: ClinVar variation 2642006 (VCV002642006.24), dbSNP rs975401166, ClinGen allele CA224092591.

ClinVar aggregate classification (germline): Uncertain significance (1 of 4 stars; one submission).

Allele frequency attached by ClinVar (database versions not stated): gnomAD 0.00001; gnomAD exomes 0.00001.
gnomAD v4.1: 20 of 1,613,994 alleles (0.0012%); highest among the groups gnomAD compares: Admixed American, 0.005%; no homozygotes.

Submission:

CeGaT Center for Human Genetics Tuebingen
Classification: Uncertain significance. Last evaluated: 2022-10-01. Review status: criteria provided, single submitter. Criteria: CeGaT Center For Human Genetics Tuebingen Variant Classification Criteria Version 2. Collection method: clinical testing. Allele origin: germline. Affected: yes. Observed: 1 variant allele.
Comment: SPTBN2: PS2, PP3